The following is an entry in ClinVar:

NC_000003.11:g.(?_193207380)_(193385089_?)dup

Genes: ATP13A4 (ATPase 13A4; minus strand), OPA1 (OPA1 mitochondrial dynamin like GTPase; plus strand). Cytogenetic location: 3q29.
Variant type: Duplication.
Identifiers: ClinVar variation 2426186 (VCV002426186.4).

ClinVar aggregate classification (germline): Uncertain significance (1 of 4 stars; one submission).

Submission:

Labcorp Genetics (formerly Invitae), Labcorp
Classification: Uncertain significance. Last evaluated: 2023-08-17. Review status: criteria provided, single submitter. Criteria: Invitae Variant Classification Sherloc (09022015). Collection method: clinical testing. Allele origin: germline.
Comment: In summary, the available evidence is currently insufficient to determine the role of this variant in disease. Therefore, it has been classified as a Variant of Uncertain Significance. Experimental studies and prediction algorithms are not available or were not evaluated, and the functional significance of this variant is currently unknown. This variant has not been reported in the literature in individuals affected with OPA1-related conditions. This variant results in a copy number gain of the genomic region encompassing exon(s) 1-27 of the OPA1 gene. This region includes the initiator codon of the gene. This copy number gain extends beyond the assayed region for this gene and therefore may encompass additional genes. As the precise location of this event is unknown, it may be in tandem or it may be located elsewhere in the genome.